The following is an entry in ClinVar:

NM_004360.5(CDH1):c.2104G>A (p.Glu702Lys)

Gene: CDH1 (cadherin 1; plus strand). Cytogenetic location: 16q22.1.
Variant type: single nucleotide variant.
Coding change: c.2104G>A on transcript NM_004360.5 (MANE Select); coding-DNA position 2104, G replaced by A.
Protein change: p.Glu702Lys; replaces glutamic acid 702 with lysine.
Molecular consequence: missense variant.
Genome position (GRCh38, 1-based): chr16:68,823,566, G>A. VCF-style: chr16-68823566-G-A. GRCh37 (hg19) VCF-style: chr16-68857469-G-A.
Other names: p.E702K:GAA>AAA; NM_004360.4(CDH1):c.2104G>A; c.1921G>A, p.Glu641Lys (NM_001317184.2); c.556G>A, p.Glu186Lys (NM_001317185.2); c.139G>A, p.Glu47Lys (NM_001317186.2); short protein forms E702K, E641K, E186K, E47K.
Identifiers: ClinVar variation 127921 (VCV000127921.53), dbSNP rs149127230, ClinGen allele CA288054.
Genomic context (GRCh38, chr16:68,823,566, plus strand): 5'-GAGGTCAGCGTGTGTGACTGTGAAGGGGCCGCTGGCGTCTGTAGGAAGGCACAGCCTGTC[G>A]AAGCAGGATTGCAAATTCCTGCCATTCTGGGGATTCTTGGAGGAATTCTTGCTTTGCTAA-3'
Protein context (NP_004351.1, residues 692-712): AGVCRKAQPV[Glu702Lys]AGLQIPAILG

ClinVar aggregate classification (germline): Benign. Review status: reviewed by expert panel (3 of 4 stars). 18 submissions from 18 submitters: Benign (1). 17 of the submissions do not count toward it. Last evaluated 2023-08-08.

Conditions:
CDH1-related diffuse gastric and lobular breast cancer syndrome. Also called: CDH1-related diffuse gastric and lobular breast cancer. Identifiers: MedGen CN311521, MONDO:0100488.
Familial cancer of breast. Also called: Hereditary breast cancer; hereditary breast carcinoma; BREAST CANCER, FAMILIAL. Identifiers: Orphanet 227535, MedGen C0346153, MONDO:0016419, OMIM 114480. Disease mechanism: loss of function.
Ovarian cancer. Also called: OVARIAN CANCER, SOMATIC. Identifiers: Orphanet 213500, MedGen C1140680, MONDO:0008170, OMIM 167000.
Hereditary cancer-predisposing syndrome. Also called: Tumor predisposition; Hereditary neoplastic syndrome; Neoplastic Syndromes, Hereditary; Hereditary Cancer Syndrome. Identifiers: Orphanet 140162, MedGen C0027672, MeSH D009386, MONDO:0015356.
Hereditary diffuse gastric adenocarcinoma (HDGC). Also called: DIFFUSE GASTRIC AND LOBULAR BREAST CANCER SYNDROME. Identifiers: Orphanet 26106, MedGen C1708349, MONDO:0007648, OMIM 137215.
Endometrial carcinoma. Also called: Endometrial carcinoma, somatic. Identifiers: MedGen C0476089, MONDO:0002447, OMIM 608089, HP:0012114.

Allele frequency attached by ClinVar (database versions not stated): ExAC 0.00021; gnomAD 0.00052 and 0.00058; TOPMed 0.00053; ESP Exome Variant Server 0.00069.
gnomAD v4.1: 199 of 1,613,814 alleles (0.012%); highest among the groups gnomAD compares: African/African-American, 0.17%; 1 homozygote.

Submissions (18):

Clingen Gastric Cancer Variant Curation Expert Panel
Classification: Benign for CDH1-related diffuse gastric and lobular breast cancer syndrome. Last evaluated: 2023-08-08. Review status: reviewed by expert panel. Criteria: ClinGen CDH1 ACMG Specifications V3.1. Collection method: curation. Allele origin: germline. Inheritance: Autosomal dominant inheritance.
Comment: The c.2104G>A (p.GLu702Lys) variant has an allele frequency of 0.001714 (0.2%, 71/41,414 alleles) in the African subpopulation of the gnomAD cohort (BA1). Therefore, this variant meets criteria to be classified as benign. ACMG/AMP criteria applied, as specified by the CDH1 Variant Curation Expert Panel (Variant Interpretation Guidelines Version 3.1): BA1.

Labcorp Genetics (formerly Invitae), Labcorp
Classification: Likely benign for Hereditary diffuse gastric adenocarcinoma. Last evaluated: 2026-01-31. Review status: criteria provided, single submitter. Criteria: Invitae Variant Classification Sherloc (09022015). Collection method: clinical testing. Allele origin: germline. Not counted in ClinVar's aggregate classification.

Center for Genomic Medicine, Rigshospitalet, Copenhagen University Hospital
Classification: Benign. Last evaluated: 2025-12-29. Review status: criteria provided, single submitter. Criteria: ACMG Guidelines, 2015. Collection method: clinical testing. Allele origin: germline. Not counted in ClinVar's aggregate classification.

CeGaT Center for Human Genetics Tuebingen
Classification: Likely benign. Last evaluated: 2024-10-01. Review status: criteria provided, single submitter. Criteria: CeGaT Center For Human Genetics Tuebingen Variant Classification Criteria Version 2. Collection method: clinical testing. Allele origin: germline. Affected: yes. Observed: 2 variant alleles. Not counted in ClinVar's aggregate classification.
Comment: CDH1: BP4, BS1

Myriad Genetics, Inc.
Classification: Uncertain significance for Hereditary diffuse gastric adenocarcinoma. Last evaluated: 2023-03-07. Review status: criteria provided, single submitter. Criteria: Myriad Autosomal Dominant, Autosomal Recessive and X-Linked Classification Criteria (2023). Collection method: clinical testing. Allele origin: unknown. Not counted in ClinVar's aggregate classification.
Comment: This variant is classified as a variant of uncertain significance as there is insufficient evidence to determine its impact on protein function and/or cancer risk.

Quest Diagnostics Nichols Institute San Juan Capistrano
Classification: Benign. Last evaluated: 2022-10-17. Review status: criteria provided, single submitter. Criteria: Quest Diagnostics criteria. Collection method: clinical testing. Allele origin: unknown. Not counted in ClinVar's aggregate classification.

European Reference Network on Genetic Tumour Risk Syndromes (ERN-GENTURIS), i3s - Instituto de Investigação e Inovação em Saúde, University of Porto
Classification: Benign for Hereditary diffuse gastric adenocarcinoma. Last evaluated: 2022-08-01. Review status: criteria provided, single submitter. Criteria: Lee et al. (Hum Mutat. 2018). Collection method: clinical testing. Allele origin: germline. Inheritance: Autosomal dominant inheritance. Affected: no. Study: ERN GENTURIS. Not counted in ClinVar's aggregate classification.
Comment: BA1 (PMID: 30311375)

Sema4
Classification: Benign for Hereditary cancer-predisposing syndrome. Last evaluated: 2021-06-23. Review status: criteria provided, single submitter. Criteria: Sema4 Curation Guidelines. Collection method: curation. Allele origin: germline. Not counted in ClinVar's aggregate classification.

GeneDx
Classification: Likely benign. Last evaluated: 2021-06-14. Review status: criteria provided, single submitter. Criteria: GeneDx Variant Classification Process June 2021. Collection method: clinical testing. Allele origin: germline. Affected: yes. Not counted in ClinVar's aggregate classification.
Comment: This variant is associated with the following publications: (PMID: 26927868, 27442865, 25980754, 28135145, 28873162, 28944238, 28125075)

Genetic Services Laboratory, University of Chicago
Classification: Benign. Last evaluated: 2021-02-03. Review status: criteria provided, single submitter. Criteria: ACMG Guidelines, 2015. Collection method: clinical testing. Allele origin: germline. Affected: no. Not counted in ClinVar's aggregate classification.

Women's Health and Genetics/Laboratory Corporation of America, LabCorp
Classification: Benign. Last evaluated: 2020-09-14. Review status: criteria provided, single submitter. Criteria: LabCorp Variant Classification Summary - May 2015. Collection method: clinical testing. Allele origin: germline. Not counted in ClinVar's aggregate classification.
Comment: Variant summary: CDH1 c.2104G>A (p.Glu702Lys) results in a conservative amino acid change in the encoded protein sequence. Five of five in-silico tools predict a benign effect of the variant on protein function. The variant allele was found at a frequency of 0.00021 in 282492 control chromosomes, predominantly at a frequency of 0.0016 within the African or African-American subpopulation in the gnomAD database. The observed variant frequency within African or African-American control individuals in the gnomAD database is approximately 57 fold of the estimated maximal expected allele frequency for a pathogenic variant in CDH1 causing Hereditary Diffuse Gastric Cancer phenotype (2.8e-05), strongly suggesting that the variant is a benign polymorphism found primarily in populations of African or African-American origin. In addition, this variant was found in nine healthy older women in a reputed germline gnomic database (FLOSSIES). The variant, c.2104G>A has been reported in the literature in individuals affected with Hereditary Diffuse Gastric Cancer (Yurgelun_2015/2017, Ghazani_2017). These reports do not provide unequivocal conclusions about association of the variant with Hereditary Diffuse Gastric Cancer. To our knowledge, no experimental evidence demonstrating an impact on protein function has been reported. Nine ClinVar submitters (evaluation after 2014) cite the variant as uncertain significance (2x), likely benign (5x) and benign (2x). Additionally, one expert panel (ClinGen CDH1 Variant Curation Expert Panel) cites this variant as benign. Based on the evidence outlined above, the variant was classified as benign.

Department of Pathology and Laboratory Medicine, Sinai Health System
Classification: Likely benign for Familial cancer of breast; Ovarian cancer. Last evaluated: 2020-03-17. Review status: criteria provided, single submitter. Criteria: ACMG Guidelines, 2015. Collection method: clinical testing. Allele origin: germline. Affected: yes. Not counted in ClinVar's aggregate classification.

Centre for Mendelian Genomics, University Medical Centre Ljubljana
Classification: Uncertain significance for Endometrial carcinoma. Last evaluated: 2019-10-08. Review status: criteria provided, single submitter. Criteria: ACMG Guidelines, 2015. Collection method: clinical testing. Allele origin: unknown. Affected: yes. Not counted in ClinVar's aggregate classification.
Comment: This variant was classified as: Uncertain significance. The available evidence on this variant's pathogenicity is insufficient or conflicting. The following ACMG criteria were applied in classifying this variant: PM2.

Ambry Genetics
Classification: Benign for Hereditary cancer-predisposing syndrome. Last evaluated: 2019-01-17. Review status: criteria provided, single submitter. Criteria: Ambry Variant Classification Scheme 2023. Collection method: clinical testing. Allele origin: germline. Not counted in ClinVar's aggregate classification.

Color Diagnostics, LLC DBA Color Health
Classification: Likely benign for Hereditary cancer-predisposing syndrome. Last evaluated: 2017-03-05. Review status: criteria provided, single submitter. Criteria: ACMG Guidelines, 2015. Collection method: clinical testing. Allele origin: germline. Not counted in ClinVar's aggregate classification.

CSER _CC_NCGL, University of Washington
Classification: Uncertain significance for Hereditary diffuse gastric cancer. Last evaluated: 2015-03-11. Review status: criteria provided, single submitter. Criteria: Amendola et al. (Genome Res. 2015). Collection method: research. Allele origin: germline. Inheritance: Autosomal dominant inheritance. Study: CSER - NEXT Medicine variant annotation. Not counted in ClinVar's aggregate classification.

Breakthrough Genomics
Classification: Benign. Review status: criteria provided, single submitter. Criteria: ACMG Guidelines, 2015. Collection method: not provided. Allele origin: germline. Inheritance: Autosomal dominant inheritance. Affected: yes. Not counted in ClinVar's aggregate classification.

Counsyl
Classification: Likely benign for Hereditary diffuse gastric adenocarcinoma. Last evaluated: 2018-05-25. Review status: no assertion criteria provided. Collection method: clinical testing. Allele origin: unknown. Not counted in ClinVar's aggregate classification.

Literature cited by the submitters: PubMed 30311375 (cited by Quest Diagnostics Nichols Institute San Juan Capistrano and Women's Health and Genetics/Laboratory Corporation of America, LabCorp); PubMed 28135145 (cited by 4 submitters); PubMed 33471991 (cited by Quest Diagnostics Nichols Institute San Juan Capistrano); PubMed 28125075 (cited by 4 submitters); PubMed 25980754 (cited by 3 submitters); PubMed 36436516 (cited by European Reference Network on Genetic Tumour Risk Syndromes (ERN-GENTURIS), i3s - Instituto de Investigação e Inovação em Saúde, University of Porto).